The following is an entry in ClinVar:

ClinVar aggregate classification (germline): Likely benign. Review status: criteria provided, multiple submitters, no conflicts (2 of 4 stars). 2 submissions from 2 submitters: Likely benign (2). Last evaluated 2026-02-10.

Conditions:
PLEC-related disorder. Also called: PLEC-related disorders; PLEC-related condition.
Epidermolysis bullosa simplex with nail dystrophy (EBS5D). Identifiers: MedGen C4225309, MONDO:0014661, OMIM 616487.
Epidermolysis bullosa simplex 5B, with muscular dystrophy (EBS5B). Also called: Epidermolysis bullosa simplex with muscular dystrophy; EPIDERMOLYSIS BULLOSA SIMPLEX AND LIMB-GIRDLE MUSCULAR DYSTROPHY. Identifiers: Orphanet 257, MedGen C2931072, MONDO:0009181, OMIM 226670.
Autosomal recessive limb-girdle muscular dystrophy type 2Q (LGMDR17). Also called: MUSCULAR DYSTROPHY, LIMB-GIRDLE, AUTOSOMAL RECESSIVE 17. Identifiers: Orphanet 254361, MedGen C3150989, MONDO:0013390, OMIM 613723.
Epidermolysis bullosa simplex 5C, with pyloric atresia (EBS5C). Also called: PLEC-Related Epidermolysis Bullosa with Pyloric Atresia; Epidermolysis bullosa simplex with pyloric atresia; PLEC1-Related Epidermolysis Bullosa with Pyloric Atresia. Identifiers: Orphanet 158684, MedGen C2677349, MONDO:0012807, OMIM 612138.
Epidermolysis bullosa simplex, Ogna type (EBS5A). Also called: Pidermolysis bullosa simplex 5A, Ogna type; EPIDERMOLYSIS BULLOSA SIMPLEX 5A, OGNA TYPE. Identifiers: Orphanet 79401, MedGen C0432317, MONDO:0007555, OMIM 131950.

Allele frequency attached by ClinVar (database versions not stated): TOPMed 0.00001.

Submissions (2):

PreventionGenetics, part of Exact Sciences
Classification: Likely benign for PLEC-related condition. Last evaluated: 2026-02-10. Review status: criteria provided, single submitter. Criteria: ACMG Guidelines, 2015. Collection method: clinical testing. Allele origin: germline.
Comment: This variant is classified as likely benign based on ACMG/AMP sequence variant interpretation guidelines (Richards et al. 2015 PMID: 25741868, with internal and published modifications).

Labcorp Genetics (formerly Invitae), Labcorp
Classification: Likely benign for Autosomal recessive limb-girdle muscular dystrophy type 2Q; Epidermolysis bullosa simplex, Ogna type; Epidermolysis bullosa simplex with nail dystrophy; Epidermolysis bullosa simplex 5C, with pyloric atresia; Epidermolysis bullosa simplex 5B, with muscular dystrophy. Last evaluated: 2025-11-08. Review status: criteria provided, single submitter. Criteria: Invitae Variant Classification Sherloc (09022015). Collection method: clinical testing. Allele origin: germline.

NM_201384.3(PLEC):c.1752C>A (p.Pro584=)

Gene: PLEC (plectin; minus strand). Cytogenetic location: 8q24.3.
Variant type: single nucleotide variant.
Coding change: c.1752C>A on transcript NM_201384.3 (MANE Select); coding-DNA position 1752, C replaced by A.
Protein change: p.Pro584=; no amino-acid change (proline 584 retained).
Molecular consequence: synonymous variant.
Genome position (GRCh38, 1-based): chr8:143,932,698, G>T on the plus strand (C>A on the coding strand, the complement: PLEC is on the minus strand). VCF-style: chr8-143932698-G-T. GRCh37 (hg19) VCF-style: chr8-145006866-G-T.
Other names: c.1833C>A, p.Pro611= (NM_000445.5); c.1710C>A, p.Pro570= (NM_201378.4); c.1686C>A, p.Pro562= (NM_201379.3); c.2163C>A, p.Pro721= (NM_201380.4); c.1656C>A, p.Pro552= (NM_201381.3); c.1752C>A, p.Pro584= (NM_201382.4); c.1764C>A, p.Pro588= (NM_201383.3).
Identifiers: ClinVar variation 732665 (VCV000732665.11), dbSNP rs185978075, ClinGen allele CA463536284.